The following is an entry in ClinVar:

ClinVar aggregate classification (germline): other (1 of 4 stars; one submission).

Conditions:
Motor neuron disease. Also called: Degenerative motor system disease; Motor neuron disorder. Identifiers: Orphanet 98503, MedGen C0085084, MONDO:0020128.

Submission:

Centre for Genomic and Experimental Medicine, University of Edinburgh
Classification: other for Motor neuron disease. Last evaluated: 2016-08-31. Review status: criteria provided, single submitter. Criteria: Submitter's publication. Collection method: case-control. Allele origin: unknown. Affected: yes. Observed: 1 heterozygote.
Comment: Loss-of-function but lacking segregation data

Literature cited by the submitters: PubMed 28089114.

NM_013254.4(TBK1):c.1432del (p.Thr478fs)

Gene: TBK1 (TANK binding kinase 1; plus strand). Cytogenetic location: 12q14.2.
Variant type: Deletion.
Coding change: c.1432del on transcript NM_013254.4 (MANE Select); coding-DNA position 1432, one base deleted (A; older notation c.1432delA).
Protein change: p.Thr478fs; shifts the reading frame from threonine 478.
Molecular consequence: frameshift variant.
Genome position (GRCh38, 1-based): chr12:64,488,578, A deleted; the last of 6 consecutive A bases (chr12:64,488,573-64,488,578); deleting any one gives the same sequence. VCF-style (leftmost placement, unchanged base first): chr12-64488572-GA-G. GRCh37 (hg19) VCF-style: chr12-64882352-GA-G.
Other names: c.1432del, p.Thr478fs (LRG_1306t1); short protein forms T478fs.
Identifiers: ClinVar variation 266066 (VCV000266066.1), dbSNP rs1131690783, ClinGen allele CA645369520.
Genomic context (GRCh38, chr12:64,488,572, plus strand): 5'-GAAACTGTTCACAAAAAGACAGAAGTTGTGATCACATTGGATTTCTGTATCAGAAACATT[GA>G]AAAAACTGTGAAAGTGTGAGTAGACTACTTCCTTACTAGTAGGGGTTAAATTATTAAATG-3'